The following is an entry in ClinVar:

ClinVar aggregate classification (germline): Uncertain significance. Review status: criteria provided, multiple submitters, no conflicts (2 of 4 stars). 2 submissions from 2 submitters: Uncertain significance (2). Last evaluated 2025-09-16.

Conditions:
Hereditary cancer-predisposing syndrome. Also called: Hereditary neoplastic syndrome; Tumor predisposition; Neoplastic Syndromes, Hereditary; Hereditary Cancer Syndrome. Identifiers: Orphanet 140162, MedGen C0027672, MeSH D009386, MONDO:0015356.
Familial cancer of breast. Also called: hereditary breast carcinoma; Hereditary breast cancer; BREAST CANCER, FAMILIAL. Identifiers: Orphanet 227535, MedGen C0346153, MONDO:0016419, OMIM 114480. Disease mechanism: loss of function.

Allele frequency attached by ClinVar (database versions not stated): gnomAD exomes below 0.00001.
gnomAD v4.1: 1 of 1,613,914 alleles (0.000062%); highest among the groups gnomAD compares: East Asian, 0.0022%; no homozygotes.

Submissions (2):

Labcorp Genetics (formerly Invitae), Labcorp
Classification: Uncertain significance for Familial cancer of breast. Last evaluated: 2025-09-16. Review status: criteria provided, single submitter. Criteria: Invitae Variant Classification Sherloc (09022015). Collection method: clinical testing. Allele origin: germline.
Comment: This sequence change replaces alanine, which is neutral and non-polar, with serine, which is neutral and polar, at codon 391 of the PALB2 protein (p.Ala391Ser). This variant is not present in population databases (gnomAD no frequency). This variant has not been reported in the literature in individuals affected with PALB2-related conditions. ClinVar contains an entry for this variant (Variation ID: 1346251). Invitae Evidence Modeling of protein sequence and biophysical properties (such as structural, functional, and spatial information, amino acid conservation, physicochemical variation, residue mobility, and thermodynamic stability) indicates that this missense variant is not expected to disrupt PALB2 protein function with a negative predictive value of 80%. In summary, the available evidence is currently insufficient to determine the role of this variant in disease. Therefore, it has been classified as a Variant of Uncertain Significance.

Ambry Genetics
Classification: Uncertain significance for Hereditary cancer-predisposing syndrome. Last evaluated: 2023-11-23. Review status: criteria provided, single submitter. Criteria: Ambry Variant Classification Scheme 2023. Collection method: clinical testing. Allele origin: germline.
Comment: The p.A391S variant (also known as c.1171G>T), located in coding exon 4 of the PALB2 gene, results from a G to T substitution at nucleotide position 1171. The alanine at codon 391 is replaced by serine, an amino acid with similar properties. This amino acid position is conserved. In addition, this alteration is predicted to be tolerated by in silico analysis. Since supporting evidence is limited at this time, the clinical significance of this alteration remains unclear.

NM_024675.4(PALB2):c.1171G>T (p.Ala391Ser)

Gene: PALB2 (partner and localizer of BRCA2; minus strand). Cytogenetic location: 16p12.2.
Variant type: single nucleotide variant.
Coding change: c.1171G>T on transcript NM_024675.4 (MANE Select); coding-DNA position 1171, G replaced by T.
Protein change: p.Ala391Ser; replaces alanine 391 with serine.
Molecular consequence: missense variant.
Genome position (GRCh38, 1-based): chr16:23,635,375, C>A on the plus strand (G>T on the coding strand, the complement: PALB2 is on the minus strand). VCF-style: chr16-23635375-C-A. GRCh37 (hg19) VCF-style: chr16-23646696-C-A.
Other names: c.1171G>T (NM_024675.3); short protein forms A391S.
Identifiers: ClinVar variation 1346251 (VCV001346251.8), dbSNP rs2142423854, ClinGen allele CA395133430.
Genomic context (GRCh38, chr16:23,635,375, plus strand): 5'-TAACATAATATTCTGCAGGAAACAGAAGGCCTTCAGGCACTGTGCAAGAATGTTTTTCTG[C>A]AGAAAGAGGAGAGGTTGCTTCCAGGCTAAGACTCTTAGGTTGACTTAGAATCTCACTTTC-3'
Protein context (NP_078951.2, residues 381-401): LSLEATSPLS[Ala391Ser]EKHSCTVPEG